The following is an entry in ClinVar:

NM_001379500.1(COL18A1):c.3580C>T (p.Arg1194Trp)

Genes: COL18A1 (collagen type XVIII alpha 1 chain; plus strand), SLC19A1 (solute carrier family 19 member 1; minus strand). Cytogenetic location: 21q22.3.
Variant type: single nucleotide variant.
Coding change: c.3580C>T on transcript NM_001379500.1 (MANE Select); coding-DNA position 3580, C replaced by T.
Protein change: p.Arg1194Trp; replaces arginine 1194 with tryptophan.
Molecular consequence: missense variant.
Genome position (GRCh38, 1-based): chr21:45,510,148, C>T. VCF-style: chr21-45510148-C-T. GRCh37 (hg19) VCF-style: chr21-46930062-C-T.
Other names: NM_130445.2:c.3571C>T; c.4111C>T, p.Arg1371Trp (NM_030582.4); c.4816C>T, p.Arg1606Trp (NM_130444.3); c.4111C>T (NM_030582.3); short protein forms R1194W, R1371W, R1606W.
Identifiers: ClinVar variation 1353533 (VCV001353533.9), dbSNP rs572048525, ClinGen allele CA10067962.

ClinVar aggregate classification (germline): Uncertain significance. Review status: criteria provided, multiple submitters, no conflicts (2 of 4 stars). 4 submissions from 4 submitters: Uncertain significance (3). 1 of the submissions does not count toward it. Last evaluated 2025-04-14.

Conditions:
COL18A1-related disorder. Also called: COL18A1-related disorders; COL18A1-related condition.

Allele frequency attached by ClinVar (database versions not stated): gnomAD exomes 0.00009 and 0.00011; gnomAD 0.00017; ExAC 0.00018; TOPMed 0.00023; 1000 Genomes Project 30x 0.00031; 1000 Genomes Project 0.00040.
gnomAD v4.1: 159 of 1,599,312 alleles (0.0099%); highest among the groups gnomAD compares: Middle Eastern, 0.067%; no homozygotes.

Submissions (4):

GeneDx
Classification: Uncertain significance. Last evaluated: 2025-04-14. Review status: criteria provided, single submitter. Criteria: GeneDx Variant Classification Process June 2021. Collection method: clinical testing. Allele origin: germline. Affected: yes.
Comment: In silico analysis supports that this missense variant has a deleterious effect on protein structure/function; Has not been previously published as pathogenic or benign to our knowledge

Blueprint Genetics
Classification: Uncertain significance. Last evaluated: 2024-08-06. Review status: criteria provided, single submitter. Criteria: ACMG Guidelines, 2015. Collection method: clinical testing. Allele origin: germline.

Labcorp Genetics (formerly Invitae), Labcorp
Classification: Uncertain significance. Last evaluated: 2024-01-22. Review status: criteria provided, single submitter. Criteria: Invitae Variant Classification Sherloc (09022015). Collection method: clinical testing. Allele origin: germline.
Comment: This sequence change replaces arginine, which is basic and polar, with tryptophan, which is neutral and slightly polar, at codon 1191 of the COL18A1 protein (p.Arg1191Trp). This variant is present in population databases (rs572048525, gnomAD 0.05%). This variant has not been reported in the literature in individuals affected with COL18A1-related conditions. ClinVar contains an entry for this variant (Variation ID: 1353533). Experimental studies and prediction algorithms are not available or were not evaluated, and the functional significance of this variant is currently unknown. In summary, the available evidence is currently insufficient to determine the role of this variant in disease. Therefore, it has been classified as a Variant of Uncertain Significance.

PreventionGenetics, part of Exact Sciences
Classification: Uncertain significance for COL18A1-related condition. Last evaluated: 2024-08-01. Review status: no assertion criteria provided. Collection method: clinical testing. Allele origin: germline. Not counted in ClinVar's aggregate classification.
Comment: The COL18A1 c.4111C>T variant is predicted to result in the amino acid substitution p.Arg1371Trp. To our knowledge, this variant has not been reported in the literature. This variant is reported in 0.051% of alleles in individuals of Latino descent in gnomAD, which is likely too frequent for an unreported disease-causing variant. Although we suspect that this variant may be benign, at this time, the clinical significance of this variant is uncertain due to the absence of conclusive functional and genetic evidence.